The following is an entry in ClinVar:

NM_018958.3(NPAP1):c.2340G>A (p.Pro780=)

Gene: NPAP1 (nuclear pore associated protein 1; plus strand). Cytogenetic location: 15q11.2.
Variant type: single nucleotide variant.
Coding change: c.2340G>A on transcript NM_018958.3 (MANE Select); coding-DNA position 2340, G replaced by A.
Protein change: p.Pro780=; no amino-acid change (proline 780 retained).
Molecular consequence: synonymous variant.
Genome position (GRCh38, 1-based): chr15:24,678,207, G>A. VCF-style: chr15-24678207-G-A. GRCh37 (hg19) VCF-style: chr15-24923354-G-A.
Identifiers: ClinVar variation 738363 (VCV000738363.4), dbSNP rs149985967, ClinGen allele CA7430916.
Genomic context (GRCh38, chr15:24,678,207, plus strand): 5'-CAACCATCCTTTAAATCCAGGAGCCACCCCTCAACCCAAATTTGGGGCCCCTGATGGGCC[G>A]CAGCAGAAAACCTCTCTCCCCAGTGCCCATGATTTCCTGAGCCTTCCTATCATGGTTCCT-3'
Protein context (NP_061831.2, residues 770-790): PQPKFGAPDG[Pro780=]QQKTSLPSAH

ClinVar aggregate classification (germline): Likely benign. Review status: criteria provided, multiple submitters, no conflicts (2 of 4 stars). 2 submissions from 2 submitters: Likely benign (2). Last evaluated 2026-09-01.

Allele frequency attached by ClinVar (database versions not stated): 1000 Genomes Project 30x 0.00031; 1000 Genomes Project 0.00040; ExAC 0.00041; gnomAD exomes 0.00046 and 0.00054; ESP Exome Variant Server 0.00054; TOPMed 0.00061; gnomAD 0.00063 and 0.00065.
gnomAD v4.1: 760 of 1,612,772 alleles (0.047%); highest among the groups gnomAD compares: Admixed American, 0.13%; 1 homozygote.

Submissions (2):

CeGaT Center for Human Genetics Tuebingen
Classification: Likely benign. Last evaluated: 2026-09-01. Review status: criteria provided, single submitter. Criteria: CeGaT Center For Human Genetics Tuebingen Variant Classification Criteria Version 2. Collection method: clinical testing. Allele origin: germline. Affected: yes. Observed: 1 variant allele.
Comment: NPAP1: BP4, BP7

Labcorp Genetics (formerly Invitae), Labcorp
Classification: Likely benign. Last evaluated: 2018-03-29. Review status: criteria provided, single submitter. Criteria: Invitae Variant Classification Sherloc (09022015). Collection method: clinical testing. Allele origin: germline.